The following is an entry in ClinVar:

ClinVar aggregate classification (germline): Uncertain significance (1 of 4 stars; one submission).

Submission:

Women's Health and Genetics/Laboratory Corporation of America, LabCorp
Classification: Uncertain significance. Last evaluated: 2026-05-29. Review status: criteria provided, single submitter. Criteria: LabCorp Variant Classification Summary - May 2015. Collection method: clinical testing. Allele origin: germline.
Comment: Variant summary: AEBP1 c.989G>T (p.Arg330Leu) results in a non-conservative amino acid change in the encoded protein sequence. Algorithms developed to predict the effect of missense changes on protein structure and function are either unavailable or do not agree on the potential impact of this missense change. The frequency data for this variant in gnomAD is considered unreliable, as metrics indicate poor data quality at this position. To our knowledge, no occurrence of c.989G>T in individuals affected with AEBP1-related conditions and no experimental evidence demonstrating its impact on protein function have been reported. No submitters have cited clinical-significance assessments for this variant to ClinVar. Based on the evidence outlined above, the variant was classified as uncertain significance.

NM_001129.5(AEBP1):c.989G>T (p.Arg330Leu)

Gene: AEBP1 (AE binding protein 1; plus strand). Cytogenetic location: 7p13.
Variant type: single nucleotide variant.
Coding change: c.989G>T on transcript NM_001129.5 (MANE Select); coding-DNA position 989, G replaced by T.
Protein change: p.Arg330Leu; replaces arginine 330 with leucine.
Molecular consequence: missense variant.
Genome position (GRCh38, 1-based): chr7:44,108,947, G>T. VCF-style: chr7-44108947-G-T. GRCh37 (hg19) VCF-style: chr7-44148546-G-T.
Other names: short protein forms R330L.
Identifiers: ClinVar variation 4853756 (VCV004853756.1).